The following is an entry in ClinVar:

ClinVar aggregate classification (germline): Conflicting classifications of pathogenicity. Review status: criteria provided, conflicting classifications (1 of 4 stars). 3 submissions from 3 submitters: Uncertain significance (1); Likely benign (2). Last evaluated 2026-05-27.

Conditions:
PRPF8-related disorder. Also called: PRPF8-related condition.
Retinitis pigmentosa (RP). Identifiers: Orphanet 791, MedGen C0035334, MeSH D012174, MONDO:0019200, OMIM 268000. Inheritance: Autosomal dominant, autosomal recessive and X linked inheritance.

Allele frequency attached by ClinVar (database versions not stated): ExAC 0.00001; gnomAD 0.00001; gnomAD exomes 0.00002; TOPMed 0.00002.
gnomAD v4.1: 13 of 1,614,076 alleles (0.00081%); highest among the groups gnomAD compares: Admixed American, 0.0083%; no homozygotes.

Submissions (3):

PreventionGenetics, part of Exact Sciences
Classification: Likely benign for PRPF8-related condition. Last evaluated: 2026-05-27. Review status: criteria provided, single submitter. Criteria: ACMG Guidelines, 2015. Collection method: clinical testing. Allele origin: germline.
Comment: This variant is classified as likely benign based on ACMG/AMP sequence variant interpretation guidelines (Richards et al. 2015 PMID: 25741868, with internal and published modifications).

Labcorp Genetics (formerly Invitae), Labcorp
Classification: Likely benign. Last evaluated: 2024-01-08. Review status: criteria provided, single submitter. Criteria: Invitae Variant Classification Sherloc (09022015). Collection method: clinical testing. Allele origin: germline.

Illumina Laboratory Services, Illumina
Classification: Uncertain significance for Retinitis pigmentosa. Last evaluated: 2018-01-13. Review status: criteria provided, single submitter. Criteria: ICSL Variant Classification Criteria 13 December 2019. Collection method: clinical testing. Allele origin: germline.

NM_006445.4(PRPF8):c.3699C>T (p.Asp1233=)

Gene: PRPF8 (pre-mRNA processing factor 8; minus strand). Cytogenetic location: 17p13.3.
Variant type: single nucleotide variant.
Coding change: c.3699C>T on transcript NM_006445.4 (MANE Select); coding-DNA position 3699, C replaced by T.
Protein change: p.Asp1233=; no amino-acid change (aspartic acid 1233 retained).
Molecular consequence: synonymous variant.
Genome position (GRCh38, 1-based): chr17:1,673,156, G>A on the plus strand (C>T on the coding strand, the complement: PRPF8 is on the minus strand). VCF-style: chr17-1673156-G-A. GRCh37 (hg19) VCF-style: chr17-1576450-G-A.
Identifiers: ClinVar variation 889065 (VCV000889065.12), dbSNP rs753683243, ClinGen allele CA8271807.
Genomic context (GRCh38, chr17:1,673,156, plus strand): 5'-GGACCCAGAGGCCATGAGAATCTGACGCACGCGGTTGTGGAAGCGCTGCATTGACTCATC[G>A]TCCACACGCAGGAAACACTGAGCTGTGCGCTCCTTAGTAACCTAAACCACAAAGTCAAGG-3'
Protein context (NP_006436.3, residues 1223-1243): ERTAQCFLRV[Asp1233=]DESMQRFHNR